The following is an entry in ClinVar:

NM_006771.4(KRT38):c.917A>C (p.Asp306Ala)

Gene: KRT38 (keratin 38; minus strand). Cytogenetic location: 17q21.2.
Variant type: single nucleotide variant.
Coding change: c.917A>C on transcript NM_006771.4 (MANE Select); coding-DNA position 917, A replaced by C.
Protein change: p.Asp306Ala; replaces aspartic acid 306 with alanine.
Molecular consequence: missense variant.
Genome position (GRCh38, 1-based): chr17:41,438,594, T>G on the plus strand (A>C on the coding strand, the complement: KRT38 is on the minus strand). VCF-style: chr17-41438594-T-G. GRCh37 (hg19) VCF-style: chr17-39594846-T-G.
Other names: short protein forms D306A.
Identifiers: ClinVar variation 2647767 (VCV002647767.24), dbSNP rs143250758, ClinGen allele CA8558607.

ClinVar aggregate classification (germline): Likely benign (1 of 4 stars; one submission).

Allele frequency attached by ClinVar (database versions not stated): ESP Exome Variant Server 0.00092; TOPMed 0.00095; gnomAD 0.00105; ExAC 0.00114; 1000 Genomes Project 30x 0.00156; 1000 Genomes Project 0.00160.
gnomAD v4.1: 1,412 of 1,614,048 alleles (0.087%); highest among the groups gnomAD compares: South Asian, 0.18%; 3 homozygotes.

Submission:

CeGaT Center for Human Genetics Tuebingen
Classification: Likely benign. Last evaluated: 2022-06-01. Review status: criteria provided, single submitter. Criteria: CeGaT Center For Human Genetics Tuebingen Variant Classification Criteria Version 2. Collection method: clinical testing. Allele origin: germline. Affected: yes. Observed: 1 variant allele.
Comment: KRT38: BP4